The following is an entry in ClinVar:

NM_001048174.2(MUTYH):c.265-14G>A

Gene: MUTYH (mutY DNA glycosylase; minus strand). Cytogenetic location: 1p34.1.
Variant type: single nucleotide variant.
Coding change: c.265-14G>A on transcript NM_001048174.2 (MANE Select); 14 bases into the intron before coding-DNA position 265, G replaced by A.
Molecular consequence: intron variant.
Genome position (GRCh38, 1-based): chr1:45,333,338, C>T on the plus strand (G>A on the coding strand, the complement: MUTYH is on the minus strand). VCF-style: chr1-45333338-C-T. GRCh37 (hg19) VCF-style: chr1-45799010-C-T.
Other names: c.-7-14G>A (NM_001350651.2, NM_001350650.2); c.-12-14G>A (NM_001293192.2, NM_001293196.2); c.265-14G>A (NM_001048171.2, NM_001048173.2, NM_001293195.2); c.310-14G>A (NM_001293190.2); c.340-14G>A (NM_012222.3); c.349-14G>A (NM_001128425.2); c.268-14G>A (NM_001048172.2); c.298-14G>A (NM_001293191.2).
Identifiers: ClinVar variation 927089 (VCV000927089.5), dbSNP rs1645323810, ClinGen allele CA1139655537.
Genomic context (GRCh38, chr1:45,333,338, plus strand): 5'-TACTGACCAGCATATGCCCGCCTGTCCAGGTCCATCTCATCTTCTGCCTGTCAATGCAAC[C>T]CCAGATGAGGAGTTAGGGTGGAGGGGGCTGGGTGCCTGCCTCCCACCCACTGTCCCTGCT-3'

ClinVar aggregate classification (germline): Uncertain significance. Review status: criteria provided, multiple submitters, no conflicts (2 of 4 stars). 2 submissions from 2 submitters: Uncertain significance (2). Last evaluated 2024-07-20.

Conditions:
Hereditary cancer-predisposing syndrome. Also called: Neoplastic Syndromes, Hereditary; Tumor predisposition; Hereditary Cancer Syndrome; Hereditary neoplastic syndrome. Identifiers: Orphanet 140162, MedGen C0027672, MeSH D009386, MONDO:0015356.
Familial adenomatous polyposis 2. Also called: Adenomas, multiple colorectal; MUTYH Polyposis; COLORECTAL ADENOMATOUS POLYPOSIS, AUTOSOMAL RECESSIVE; ADENOMAS, MULTIPLE COLORECTAL, AUTOSOMAL RECESSIVE; MUTYH-associated polyposis; MUTYH-related attenuated familial adenomatous polyposis. Identifiers: Orphanet 220460, Orphanet 247798, MedGen C3272841, MONDO:0012041, OMIM 608456.

Allele frequency attached by ClinVar (database versions not stated): TOPMed below 0.00001.

Submissions (2):

Labcorp Genetics (formerly Invitae), Labcorp
Classification: Uncertain significance for Familial adenomatous polyposis 2. Last evaluated: 2024-07-20. Review status: criteria provided, single submitter. Criteria: Invitae Variant Classification Sherloc (09022015). Collection method: clinical testing. Allele origin: germline.
Comment: This sequence change falls in intron 3 of the MUTYH gene. It does not directly change the encoded amino acid sequence of the MUTYH protein. This variant is not present in population databases (gnomAD no frequency). This variant has not been reported in the literature in individuals affected with MUTYH-related conditions. ClinVar contains an entry for this variant (Variation ID: 927089). Algorithms developed to predict the effect of sequence changes on RNA splicing suggest that this variant may disrupt the consensus splice site. In summary, the available evidence is currently insufficient to determine the role of this variant in disease. Therefore, it has been classified as a Variant of Uncertain Significance.

Color Diagnostics, LLC DBA Color Health
Classification: Uncertain significance for Hereditary cancer-predisposing syndrome. Last evaluated: 2019-12-23. Review status: criteria provided, single submitter. Criteria: ACMG Guidelines, 2015. Collection method: clinical testing. Allele origin: germline.
Comment: This variant causes a G>A nucleotide substitution at the -14 position of intron 3 of the MUTYH gene. Splice site prediction tools are inconclusive regarding the impact of this variant on RNA splicing. To our knowledge, functional studies have not been performed for this variant. This variant has not been reported in individuals affected with hereditary cancer in the literature. This variant has not been identified in the general population by the Genome Aggregation Database (gnomAD). The available evidence is insufficient to determine the role of this variant in disease conclusively. Therefore, this variant is classified as a Variant of Uncertain Significance.